The following is an entry in ClinVar:

NM_005121.3(MED13):c.3390G>A (p.Met1130Ile)

Gene: MED13 (mediator complex subunit 13; minus strand). Cytogenetic location: 17q23.2.
Variant type: single nucleotide variant.
Coding change: c.3390G>A on transcript NM_005121.3 (MANE Select); coding-DNA position 3390, G replaced by A.
Protein change: p.Met1130Ile; replaces methionine 1130 with isoleucine.
Molecular consequence: missense variant.
Genome position (GRCh38, 1-based): chr17:61,982,613, C>T on the plus strand (G>A on the coding strand, the complement: MED13 is on the minus strand). VCF-style: chr17-61982613-C-T. GRCh37 (hg19) VCF-style: chr17-60059974-C-T.
Other names: short protein forms M1130I.
Identifiers: ClinVar variation 3778299 (VCV003778299.7).

ClinVar aggregate classification (germline): Uncertain significance (1 of 4 stars; one submission).

Submission:

CeGaT Center for Human Genetics Tuebingen
Classification: Uncertain significance. Last evaluated: 2025-03-01. Review status: criteria provided, single submitter. Criteria: CeGaT Center For Human Genetics Tuebingen Variant Classification Criteria Version 2. Collection method: clinical testing. Allele origin: germline. Affected: yes. Observed: 1 variant allele.
Comment: MED13: PM2